The following is an entry in ClinVar:

NM_005883.3(APC2):c.6059C>T (p.Ala2020Val)

Gene: APC2 (APC regulator of Wnt signaling pathway 2; plus strand). Cytogenetic location: 19p13.3.
Variant type: single nucleotide variant.
Coding change: c.6059C>T on transcript NM_005883.3 (MANE Select); coding-DNA position 6059, C replaced by T.
Protein change: p.Ala2020Val; replaces alanine 2020 with valine.
Molecular consequence: missense variant.
Genome position (GRCh38, 1-based): chr19:1,469,360, C>T. VCF-style: chr19-1469360-C-T. GRCh37 (hg19) VCF-style: chr19-1469359-C-T.
Other names: c.6056C>T, p.Ala2019Val (NM_001351273.1); short protein forms A2020V, A2019V.
Identifiers: ClinVar variation 2594179 (VCV002594179.10), dbSNP rs1453594688, ClinGen allele CA403042461.
Genomic context (GRCh38, chr19:1,469,360, plus strand): 5'-AGTCGCCGGGCTTGCGGCGCCGCCGCTCCGAGCTGTCCTCGGCCGAGTCCGCGGCCTCTG[C>T]CCCCCAGGGCGCCTCGCCCCGCCGCGGCCGGCCCGCGCTGCCCGCCGTCTTCCTCTGCTC-3'
Protein context (NP_005874.1, residues 2010-2030): ELSSAESAAS[Ala2020Val]PQGASPRRGR

ClinVar aggregate classification (germline): Uncertain significance. Review status: criteria provided, multiple submitters, no conflicts (2 of 4 stars). 2 submissions from 2 submitters: Uncertain significance (2). Last evaluated 2025-08-11.

Conditions:
Inborn genetic diseases. Identifiers: MedGen C0950123, MeSH D030342.

Submissions (2):

Ambry Genetics
Classification: Uncertain significance for Inborn genetic diseases. Last evaluated: 2025-08-11. Review status: criteria provided, single submitter. Criteria: Ambry Variant Classification Scheme 2023. Collection method: clinical testing. Allele origin: germline.

CeGaT Center for Human Genetics Tuebingen
Classification: Uncertain significance. Last evaluated: 2025-03-01. Review status: criteria provided, single submitter. Criteria: CeGaT Center For Human Genetics Tuebingen Variant Classification Criteria Version 2. Collection method: clinical testing. Allele origin: germline. Affected: yes. Observed: 1 variant allele.
Comment: APC2: PM2